The following is an entry in ClinVar:

NM_006206.6(PDGFRA):c.2176G>C (p.Glu726Gln)

Gene: PDGFRA (platelet derived growth factor receptor alpha; plus strand). Cytogenetic location: 4q12.
Variant type: single nucleotide variant.
Coding change: c.2176G>C on transcript NM_006206.6 (MANE Select); coding-DNA position 2176, G replaced by C.
Protein change: p.Glu726Gln; replaces glutamic acid 726 with glutamine.
Molecular consequence: missense variant.
Genome position (GRCh38, 1-based): chr4:54,280,335, G>C. VCF-style: chr4-54280335-G-C. GRCh37 (hg19) VCF-style: chr4-55146502-G-C.
Other names: c.2176G>C, p.Glu726Gln (NM_001347827.2, NM_001347829.2); c.2251G>C, p.Glu751Gln (NM_001347828.2); c.2215G>C, p.Glu739Gln (NM_001347830.2); short protein forms E726Q, E739Q, E751Q.
Identifiers: ClinVar variation 528507 (VCV000528507.10), dbSNP rs1553905281, ClinGen allele CA356894228.

ClinVar aggregate classification (germline): Uncertain significance (1 of 4 stars; one submission).

Conditions:
Gastrointestinal stromal tumor. Also called: Gastrointestinal stroma tumor; Gastrointestinal stromal tumor, somatic. Identifiers: Orphanet 44890, MedGen C0238198, MeSH D046152, MONDO:0011719, OMIM 606764, HP:0100723.

Submission:

Labcorp Genetics (formerly Invitae), Labcorp
Classification: Uncertain significance for Gastrointestinal stromal tumor. Last evaluated: 2023-04-22. Review status: criteria provided, single submitter. Criteria: Invitae Variant Classification Sherloc (09022015). Collection method: clinical testing. Allele origin: germline.
Comment: In summary, the available evidence is currently insufficient to determine the role of this variant in disease. Therefore, it has been classified as a Variant of Uncertain Significance. Advanced modeling of protein sequence and biophysical properties (such as structural, functional, and spatial information, amino acid conservation, physicochemical variation, residue mobility, and thermodynamic stability) has been performed at Invitae for this missense variant, however the output from this modeling did not meet the statistical confidence thresholds required to predict the impact of this variant on PDGFRA protein function. ClinVar contains an entry for this variant (Variation ID: 528507). This variant has not been reported in the literature in individuals affected with PDGFRA-related conditions. This variant is not present in population databases (gnomAD no frequency). This sequence change replaces glutamic acid, which is acidic and polar, with glutamine, which is neutral and polar, at codon 726 of the PDGFRA protein (p.Glu726Gln).